The following is an entry in ClinVar:

NM_004415.4(DSP):c.7567A>T (p.Lys2523Ter)

Gene: DSP (desmoplakin; plus strand). Cytogenetic location: 6p24.3.
Variant type: single nucleotide variant.
Coding change: c.7567A>T on transcript NM_004415.4 (MANE Select); coding-DNA position 7567, A replaced by T.
Protein change: p.Lys2523Ter; replaces lysine 2523 with a stop codon.
Molecular consequence: nonsense.
Genome position (GRCh38, 1-based): chr6:7,584,829, A>T. VCF-style: chr6-7584829-A-T. GRCh37 (hg19) VCF-style: chr6-7585062-A-T.
Other names: c.5770A>T, p.Lys1924Ter (NM_001008844.3); c.6238A>T, p.Lys2080Ter (NM_001319034.2); short protein forms K2523*, K1924*, K2080*.
Identifiers: ClinVar variation 4788977 (VCV004788977.1).

ClinVar aggregate classification (germline): Pathogenic (1 of 4 stars; one submission).

Conditions:
Arrhythmogenic right ventricular dysplasia 8 (ARVD8). Also called: Arrhythmogenic Right Ventricular Dysplasia/Cardiomyopathy 8; ARRHYTHMOGENIC RIGHT VENTRICULAR DYSPLASIA, FAMILIAL, 8; ARRHYTHMOGENIC RIGHT VENTRICULAR CARDIOMYOPATHY 8. Identifiers: MedGen C1843896, MONDO:0011831, OMIM 607450.
Arrhythmogenic cardiomyopathy with wooly hair and keratoderma. Also called: Arrhythmogenic cardiomyopathy with woolly hair and keratoderma; PALMOPLANTAR KERATODERMA WITH LEFT VENTRICULAR CARDIOMYOPATHY AND WOOLLY HAIR; Carvajal syndrome; Dilated cardiomyopathy with woolly hair and keratoderma. Identifiers: Orphanet 65282, MedGen C1854063, MONDO:0011581, OMIM 605676.

gnomAD v4.1: 1 of 1,614,082 alleles (0.000062%); highest among the groups gnomAD compares: Non-Finnish European, 0.000085%; no homozygotes.

Submission:

Labcorp Genetics (formerly Invitae), Labcorp
Classification: Pathogenic for Arrhythmogenic cardiomyopathy with wooly hair and keratoderma; Arrhythmogenic right ventricular dysplasia 8. Last evaluated: 2025-08-21. Review status: criteria provided, single submitter. Criteria: Invitae Variant Classification Sherloc (09022015). Collection method: clinical testing. Allele origin: germline.
Comment: This sequence change creates a premature translational stop signal (p.Lys2523*) in the DSP gene. While this is not anticipated to result in nonsense mediated decay, it is expected to disrupt the last 349 amino acid(s) of the DSP protein. This variant is not present in population databases (gnomAD no frequency). This variant has not been reported in the literature in individuals affected with DSP-related conditions. This variant disrupts a region of the DSP protein in which other variant(s) (p.Gln2730Serfs*16) have been determined to be pathogenic (PMID: 27532257, 28527814; internal data). This suggests that this is a clinically significant region of the protein, and that variants that disrupt it are likely to be disease-causing. For these reasons, this variant has been classified as Pathogenic.

Literature cited by the submitters: PubMed 27532257; PubMed 28527814.